The following is an entry in ClinVar:

NM_001009944.3(PKD1):c.2098-6C>G

Gene: PKD1 (polycystin 1, transient receptor potential channel interacting; minus strand). Cytogenetic location: 16p13.3.
Variant type: single nucleotide variant.
Coding change: c.2098-6C>G on transcript NM_001009944.3 (MANE Select); 6 bases into the intron before coding-DNA position 2098, C replaced by G.
Molecular consequence: intron variant.
Genome position (GRCh38, 1-based): chr16:2,114,931, G>C on the plus strand (C>G on the coding strand, the complement: PKD1 is on the minus strand). VCF-style: chr16-2114931-G-C. GRCh37 (hg19) VCF-style: chr16-2164932-G-C.
Other names: c.2098-6C>G (NM_000296.4).
Identifiers: ClinVar variation 4985290 (VCV004985290.1).

ClinVar aggregate classification (germline): Likely benign (1 of 4 stars; one submission).

Conditions:
PKD1-related disorder. Also called: PKD1-related condition.

gnomAD v4.1: 25 of 1,530,394 alleles (0.0016%); highest among the groups gnomAD compares: Non-Finnish European, 0.0021%; no homozygotes.

Submission:

PreventionGenetics, part of Exact Sciences
Classification: Likely benign for PKD1-related condition. Last evaluated: 2026-03-29. Review status: criteria provided, single submitter. Criteria: ACMG Guidelines, 2015. Collection method: clinical testing. Allele origin: germline.
Comment: This variant is classified as likely benign based on ACMG/AMP sequence variant interpretation guidelines (Richards et al. 2015 PMID: 25741868, with internal and published modifications).